The following is an entry in ClinVar:

NM_002087.4(GRN):c.176G>C (p.Gly59Ala)

Gene: GRN (granulin precursor; plus strand). Cytogenetic location: 17q21.31.
Variant type: single nucleotide variant.
Coding change: c.176G>C on transcript NM_002087.4 (MANE Select); coding-DNA position 176, G replaced by C.
Protein change: p.Gly59Ala; replaces glycine 59 with alanine.
Molecular consequence: missense variant.
Genome position (GRCh38, 1-based): chr17:44,349,463, G>C. VCF-style: chr17-44349463-G-C. GRCh37 (hg19) VCF-style: chr17-42426831-G-C.
Other names: short protein forms G59A.
Identifiers: ClinVar variation 2934588 (VCV002934588.3), dbSNP rs1456999060, ClinGen allele CA399759701.

ClinVar aggregate classification (germline): Uncertain significance (1 of 4 stars; one submission).

Conditions:
GRN-related frontotemporal lobar degeneration with Tdp43 inclusions (FTD2). Also called: DEMENTIA, HEREDITARY DYSPHASIC DISINHIBITION; FRONTOTEMPORAL LOBAR DEGENERATION WITH UBIQUITIN-POSITIVE INCLUSIONS; FTLD-TDP, GRN-RELATED; GRN Frontotemporal Dementia; FRONTOTEMPORAL DEMENTIA WITH TDP43 INCLUSIONS, GRN-RELATED. Identifiers: Orphanet 100070, Orphanet 282, MedGen C1843792, MONDO:0011842, OMIM 607485. Disease mechanism: loss of function.
Neuronal ceroid lipofuscinosis 11. Also called: GRN-Related Neuronal Ceroid-Lipofuscinosis. Identifiers: Orphanet 314629, Orphanet 79262, MedGen C3539123, MONDO:0013866, OMIM 614706.

Submission:

Labcorp Genetics (formerly Invitae), Labcorp
Classification: Uncertain significance for Neuronal ceroid lipofuscinosis 11; GRN-related frontotemporal lobar degeneration with Tdp43 inclusions. Last evaluated: 2024-09-23. Review status: criteria provided, single submitter. Criteria: Invitae Variant Classification Sherloc (09022015). Collection method: clinical testing. Allele origin: germline.
Comment: This sequence change replaces glycine, which is neutral and non-polar, with alanine, which is neutral and non-polar, at codon 59 of the GRN protein (p.Gly59Ala). This variant is not present in population databases (gnomAD no frequency). This variant has not been reported in the literature in individuals affected with GRN-related conditions. An algorithm developed to predict the effect of missense changes on protein structure and function (PolyPhen-2) suggests that this variant is likely to be tolerated. In summary, the available evidence is currently insufficient to determine the role of this variant in disease. Therefore, it has been classified as a Variant of Uncertain Significance.